The following is an entry in ClinVar:

NM_000059.4(BRCA2):c.1117C>A (p.Gln373Lys)

Gene: BRCA2 (BRCA2 DNA repair associated; plus strand). Cytogenetic location: 13q13.1.
Variant type: single nucleotide variant.
Coding change: c.1117C>A on transcript NM_000059.4 (MANE Select); coding-DNA position 1117, C replaced by A.
Protein change: p.Gln373Lys; replaces glutamine 373 with lysine.
Molecular consequence: missense variant.
Genome position (GRCh38, 1-based): chr13:32,332,595, C>A. VCF-style: chr13-32332595-C-A. GRCh37 (hg19) VCF-style: chr13-32906732-C-A.
Other names: c.1117C>A, p.Gln373Lys (NM_001406719.1, NM_001406720.1, NM_001406721.1); short protein forms Q373K.
Identifiers: ClinVar variation 1709766 (VCV001709766.5), dbSNP rs397507572, ClinGen allele CA387761640.

ClinVar aggregate classification (germline): Conflicting classifications of pathogenicity. Review status: criteria provided, conflicting classifications (1 of 4 stars). 3 submissions from 3 submitters: Uncertain significance (1); Likely benign (2). Last evaluated 2025-10-09.

Conditions:
Hereditary cancer-predisposing syndrome. Also called: Neoplastic Syndromes, Hereditary; Tumor predisposition; Hereditary Cancer Syndrome; Hereditary neoplastic syndrome. Identifiers: Orphanet 140162, MedGen C0027672, MeSH D009386, MONDO:0015356.
Hereditary breast ovarian cancer syndrome. Also called: Hereditary breast and ovarian cancer syndrome; Hereditary breast and ovarian cancer syndrome (HBOC); Breast and ovarian cancer; Hereditary breast and/or ovarian cancer syndrome; Hereditary breast and ovarian cancer; BRCA1- and BRCA2-Associated Hereditary Breast and Ovarian Cancer. Identifiers: Orphanet 145, MedGen C0677776, MeSH D061325, MONDO:0003582. Disease mechanism: loss of function.
Familial cancer of breast. Also called: Hereditary breast cancer; BREAST CANCER, FAMILIAL; hereditary breast carcinoma. Identifiers: Orphanet 227535, MedGen C0346153, MONDO:0016419, OMIM 114480. Disease mechanism: loss of function.

Submissions (3):

Labcorp Genetics (formerly Invitae), Labcorp
Classification: Uncertain significance for Hereditary breast ovarian cancer syndrome. Last evaluated: 2025-10-09. Review status: criteria provided, single submitter. Criteria: Invitae Variant Classification Sherloc (09022015). Collection method: clinical testing. Allele origin: germline.
Comment: This sequence change replaces glutamine, which is neutral and polar, with lysine, which is basic and polar, at codon 373 of the BRCA2 protein (p.Gln373Lys). This variant is not present in population databases (gnomAD no frequency). This variant has not been reported in the literature in individuals affected with BRCA2-related conditions. ClinVar contains an entry for this variant (Variation ID: 1709766). Invitae Evidence Modeling of protein sequence and biophysical properties (such as structural, functional, and spatial information, amino acid conservation, physicochemical variation, residue mobility, and thermodynamic stability) indicates that this missense variant is not expected to disrupt BRCA2 protein function with a negative predictive value of 95%. In summary, the available evidence is currently insufficient to determine the role of this variant in disease. Therefore, it has been classified as a Variant of Uncertain Significance.

MGZ Medical Genetics Center
Classification: Likely benign for Familial cancer of breast. Last evaluated: 2024-02-09. Review status: criteria provided, single submitter. Criteria: CSpec BRCA1/2ACMG Rules Specifications V1.1.0. Collection method: clinical testing. Allele origin: germline. Affected: yes.
Comment: ACMG codes applied following ENIGMA VCEP rules: BP1_STR, PM2_SUP

University of Washington Department of Laboratory Medicine, University of Washington
Classification: Likely benign for Hereditary cancer-predisposing syndrome. Last evaluated: 2023-03-23. Review status: criteria provided, single submitter. Criteria: Dines et al. (Genet Med. 2020). Collection method: curation. Allele origin: germline.
Comment: Missense variant in a coldspot region where missense variants are very unlikely to be pathogenic (PMID:31911673).

BRCA2 exon 10 coldspot. Reclassification based on statistical prior probability.